The following is an entry in ClinVar:

NM_005026.5(PIK3CD):c.164A>G (p.Tyr55Cys)

Gene: PIK3CD (phosphatidylinositol-4,5-bisphosphate 3-kinase catalytic subunit delta; plus strand). Cytogenetic location: 1p36.22.
Variant type: single nucleotide variant.
Coding change: c.164A>G on transcript NM_005026.5 (MANE Select); coding-DNA position 164, A replaced by G.
Protein change: p.Tyr55Cys; replaces tyrosine 55 with cysteine.
Molecular consequence: missense variant.
Genome position (GRCh38, 1-based): chr1:9,715,563, A>G. VCF-style: chr1-9715563-A-G. GRCh37 (hg19) VCF-style: chr1-9775621-A-G.
Other names: c.164A>G, p.Tyr55Cys (NM_001350234.2, NM_001350235.1); short protein forms Y55C.
Identifiers: ClinVar variation 2093272 (VCV002093272.4), dbSNP rs576937504, ClinGen allele CA338299866.

ClinVar aggregate classification (germline): Uncertain significance (1 of 4 stars; one submission).

Conditions:
Immunodeficiency 14 (IMD14A). Also called: Activated PI3K Delta Syndrome Type 1 (APDS1); p110-DELTA-ACTIVATING MUTATION CAUSING SENESCENT T CELLS, LYMPHADENOPATHY, AND IMMUNODEFICIENCY; IMMUNODEFICIENCY 14A WITH LYMPHOPROLIFERATION, AUTOSOMAL DOMINANT; ACTIVATED PI3K-DELTA SYNDROME 1. Identifiers: Orphanet 397596, Orphanet 693661, MedGen C5907821, MONDO:0014222, OMIM 615513.

Submission:

Labcorp Genetics (formerly Invitae), Labcorp
Classification: Uncertain significance for Activated PI3K-delta syndrome. Last evaluated: 2022-02-04. Review status: criteria provided, single submitter. Criteria: Invitae Variant Classification Sherloc (09022015). Collection method: clinical testing. Allele origin: germline.
Comment: In summary, the available evidence is currently insufficient to determine the role of this variant in disease. Therefore, it has been classified as a Variant of Uncertain Significance. Algorithms developed to predict the effect of sequence changes on RNA splicing suggest that this variant may create or strengthen a splice site. Algorithms developed to predict the effect of missense changes on protein structure and function (SIFT, PolyPhen-2, Align-GVGD) all suggest that this variant is likely to be tolerated. This variant has not been reported in the literature in individuals affected with PIK3CD-related conditions. This variant is not present in population databases (gnomAD no frequency). This sequence change replaces tyrosine, which is neutral and polar, with cysteine, which is neutral and slightly polar, at codon 55 of the PIK3CD protein (p.Tyr55Cys).